The following is an entry in ClinVar:

ClinVar aggregate classification (germline): Uncertain significance (1 of 4 stars; one submission).

Allele frequency attached by ClinVar (database versions not stated): gnomAD exomes below 0.00001.
gnomAD v4.1: 2 of 1,614,170 alleles (0.00012%); highest among the groups gnomAD compares: Non-Finnish European, 0.000085%; no homozygotes.

Submission:

Ambry Genetics
Classification: Uncertain significance. Last evaluated: 2023-07-03. Review status: criteria provided, single submitter. Criteria: Ambry Variant Classification Scheme 2023. Collection method: clinical testing. Allele origin: germline.
Comment: The p.S1173N variant (also known as c.3518G>A), located in coding exon 17 of the NPAT gene, results from a G to A substitution at nucleotide position 3518. The serine at codon 1173 is replaced by asparagine, an amino acid with highly similar properties. This amino acid position is conserved. In addition, this alteration is predicted to be tolerated by in silico analysis. Since supporting evidence is limited at this time, the clinical significance of this alteration remains unclear.

NM_002519.3(NPAT):c.3518G>A (p.Ser1173Asn)

Gene: NPAT (nuclear protein, coactivator of histone transcription; minus strand). Cytogenetic location: 11q22.3.
Variant type: single nucleotide variant.
Coding change: c.3518G>A on transcript NM_002519.3 (MANE Select); coding-DNA position 3518, G replaced by A.
Protein change: p.Ser1173Asn; replaces serine 1173 with asparagine.
Molecular consequence: missense variant.
Genome position (GRCh38, 1-based): chr11:108,161,568, C>T on the plus strand (G>A on the coding strand, the complement: NPAT is on the minus strand). VCF-style: chr11-108161568-C-T. GRCh37 (hg19) VCF-style: chr11-108032295-C-T.
Other names: c.3539G>A, p.Ser1180Asn (NM_001321307.1); short protein forms S1173N, S1180N.
Identifiers: ClinVar variation 2587663 (VCV002587663.2), dbSNP rs2496695733, ClinGen allele CA382510633.